The following is an entry in ClinVar:

ClinVar aggregate classification (germline): Uncertain significance. Review status: criteria provided, multiple submitters, no conflicts (2 of 4 stars). 2 submissions from 2 submitters: Uncertain significance (2). Last evaluated 2025-08-28.

gnomAD v4.1: 1 of 1,517,128 alleles (0.000066%); highest among the groups gnomAD compares: Non-Finnish European, 0.000088%; no homozygotes.

Submissions (2):

Dasa
Classification: Uncertain significance. Last evaluated: 2025-08-28. Review status: criteria provided, single submitter. Criteria: DASA Assertion Criteria. Collection method: clinical testing. Allele origin: germline.
Comment: NM_020338.4(ZMIZ1):c.976T>C (p.Tyr326His) is a missense variant that results in the substitution of tyrosine with histidine. This variant is absent from population databases. The currently available literature and clinical evidence are not sufficient to establish a definitive association between this variant and the reported condition. Therefore, this variant is classified as a variant of uncertain significance.

Labcorp Genetics (formerly Invitae), Labcorp
Classification: Uncertain significance. Last evaluated: 2024-05-08. Review status: criteria provided, single submitter. Criteria: Invitae Variant Classification Sherloc (09022015). Collection method: clinical testing. Allele origin: germline.
Comment: This sequence change replaces tyrosine, which is neutral and polar, with histidine, which is basic and polar, at codon 326 of the ZMIZ1 protein (p.Tyr326His). This variant is not present in population databases (gnomAD no frequency). This variant has not been reported in the literature in individuals affected with ZMIZ1-related conditions. Advanced modeling of protein sequence and biophysical properties (such as structural, functional, and spatial information, amino acid conservation, physicochemical variation, residue mobility, and thermodynamic stability) has been performed at Invitae for this missense variant, however the output from this modeling did not meet the statistical confidence thresholds required to predict the impact of this variant on ZMIZ1 protein function. In summary, the available evidence is currently insufficient to determine the role of this variant in disease. Therefore, it has been classified as a Variant of Uncertain Significance.

NM_020338.4(ZMIZ1):c.976T>C (p.Tyr326His)

Gene: ZMIZ1 (zinc finger MIZ-type containing 1; plus strand). Cytogenetic location: 10q22.3.
Variant type: single nucleotide variant.
Coding change: c.976T>C on transcript NM_020338.4 (MANE Select); coding-DNA position 976, T replaced by C.
Protein change: p.Tyr326His; replaces tyrosine 326 with histidine.
Molecular consequence: missense variant.
Genome position (GRCh38, 1-based): chr10:79,293,399, T>C. VCF-style: chr10-79293399-T-C. GRCh37 (hg19) VCF-style: chr10-81053156-T-C.
Other names: short protein forms Y326H.
Identifiers: ClinVar variation 3684145 (VCV003684145.4).
Genomic context (GRCh38, chr10:79,293,399, plus strand): 5'-TTTTTTTTTCTTCTCCCGTTGAAGGTCTGTTCCTCTTTCCAGATGGGTCCCACCCAGGCG[T>C]ATAACAGCCAATTCATGAACCAGCCCGGGCCGCGGGGGCCTGCCTCCATGGGGGGCAGCA-3'
Protein context (NP_065071.1, residues 316-336): QYGPMGPTQA[Tyr326His]NSQFMNQPGP